The following is an entry in ClinVar:

ClinVar aggregate classification (germline): Uncertain significance. Review status: criteria provided, multiple submitters, no conflicts (2 of 4 stars). 2 submissions from 2 submitters: Uncertain significance (2). Last evaluated 2022-02-25.

Conditions:
Cardiovascular phenotype. Identifiers: MedGen CN230736.
Long QT syndrome (LQTS). Identifiers: MedGen C0023976, MeSH D008133, MONDO:0002442. Disease mechanism: loss of function. Inheritance: Various modes of inheritance.

Allele frequency attached by ClinVar (database versions not stated): gnomAD exomes below 0.00001; gnomAD 0.00002; TOPMed 0.00002; ExAC 0.00003; ESP Exome Variant Server 0.00008; 1000 Genomes Project 30x 0.00016; 1000 Genomes Project 0.00020.
gnomAD v4.1: 5 of 1,613,824 alleles (0.00031%); highest among the groups gnomAD compares: African/African-American, 0.0067%; no homozygotes.

Submissions (2):

Labcorp Genetics (formerly Invitae), Labcorp
Classification: Uncertain significance for Long QT syndrome. Last evaluated: 2022-02-25. Review status: criteria provided, single submitter. Criteria: Invitae Variant Classification Sherloc (09022015). Collection method: clinical testing. Allele origin: germline.
Comment: Algorithms developed to predict the effect of missense changes on protein structure and function are either unavailable or do not agree on the potential impact of this missense change (SIFT: "Deleterious"; PolyPhen-2: "Probably Damaging"; Align-GVGD: "Class C0"). In summary, the available evidence is currently insufficient to determine the role of this variant in disease. Therefore, it has been classified as a Variant of Uncertain Significance. This variant has not been reported in the literature in individuals affected with SNTA1-related conditions. This variant is present in population databases (rs142483012, gnomAD 0.02%). This sequence change replaces threonine, which is neutral and polar, with isoleucine, which is neutral and non-polar, at codon 378 of the SNTA1 protein (p.Thr378Ile).

Ambry Genetics
Classification: Uncertain significance for Cardiovascular phenotype. Last evaluated: 2021-07-27. Review status: criteria provided, single submitter. Criteria: Ambry Variant Classification Scheme 2023. Collection method: clinical testing. Allele origin: germline.
Comment: The p.T378I variant (also known as c.1133C>T), located in coding exon 6 of the SNTA1 gene, results from a C to T substitution at nucleotide position 1133. The threonine at codon 378 is replaced by isoleucine, an amino acid with similar properties. This amino acid position is conserved. In addition, this alteration is predicted to be deleterious by in silico analysis. Since supporting evidence is limited at this time, the clinical significance of this alteration remains unclear.

NM_003098.3(SNTA1):c.1133C>T (p.Thr378Ile)

Gene: SNTA1 (syntrophin alpha 1; minus strand). Cytogenetic location: 20q11.21.
Variant type: single nucleotide variant.
Coding change: c.1133C>T on transcript NM_003098.3 (MANE Select); coding-DNA position 1133, C replaced by T.
Protein change: p.Thr378Ile; replaces threonine 378 with isoleucine.
Molecular consequence: missense variant.
Genome position (GRCh38, 1-based): chr20:33,410,239, G>A on the plus strand (C>T on the coding strand, the complement: SNTA1 is on the minus strand). VCF-style: chr20-33410239-G-A. GRCh37 (hg19) VCF-style: chr20-31998045-G-A.
Other names: short protein forms T378I.
Identifiers: ClinVar variation 1729011 (VCV001729011.7), dbSNP rs142483012, ClinGen allele CA9817031.